The following is an entry in ClinVar:

NM_004999.4(MYO6):c.2672C>T (p.Thr891Met)

Gene: MYO6 (myosin VI; plus strand). Cytogenetic location: 6q14.1.
Variant type: single nucleotide variant.
Coding change: c.2672C>T on transcript NM_004999.4 (MANE Select); coding-DNA position 2672, C replaced by T.
Protein change: p.Thr891Met; replaces threonine 891 with methionine.
Molecular consequence: missense variant. On other transcripts: non-coding transcript variant (1).
Genome position (GRCh38, 1-based): chr6:75,890,070, C>T. VCF-style: chr6-75890070-C-T. GRCh37 (hg19) VCF-style: chr6-76599787-C-T.
Other names: c.2672C>T, p.Thr891Met (NM_001300899.2, NM_001368136.1, NM_001368137.1 and 2 more transcripts); c.2657C>T, p.Thr886Met (NM_001368138.1); short protein forms T891M, T886M.
Identifiers: ClinVar variation 357997 (VCV000357997.13), dbSNP rs146682372, ClinGen allele CA3897437.

ClinVar aggregate classification (germline): Conflicting classifications of pathogenicity. Review status: criteria provided, conflicting classifications (1 of 4 stars). 5 submissions from 4 submitters: Uncertain significance (4); Likely benign (1). Last evaluated 2026-01-07.

Conditions:
MYO6-related disorder. Also called: MYO6-related condition; MYO6-related disorders.
Autosomal dominant nonsyndromic hearing loss 22. Also called: Autosomal dominant nonsyndromic deafness 22; DFNA 22. Identifiers: Orphanet 228012, MedGen C2931767, MONDO:0011660, OMIM 606346.
Autosomal recessive nonsyndromic hearing loss 37. Identifiers: Orphanet 90636, MedGen C1843028, MONDO:0011912, OMIM 607821.

Allele frequency attached by ClinVar (database versions not stated): gnomAD 0.00006 and 0.00007; gnomAD exomes 0.00007 and 0.00010; ESP Exome Variant Server 0.00008; TOPMed 0.00010; ExAC 0.00014; 1000 Genomes Project 30x 0.00031; 1000 Genomes Project 0.00040.
gnomAD v4.1: 115 of 1,611,928 alleles (0.0071%); highest among the groups gnomAD compares: East Asian, 0.067%; no homozygotes.

Submissions (5):

PreventionGenetics, part of Exact Sciences
Classification: Uncertain significance for MYO6-related condition. Last evaluated: 2026-01-07. Review status: criteria provided, single submitter. Criteria: ACMG Guidelines, 2015. Collection method: clinical testing. Allele origin: germline.
Comment: The MYO6 c.2672C>T variant is predicted to result in the amino acid substitution p.Thr891Met. This variant was reported as variant of uncertain significance in an individual with hearing loss (Table 2, Li et al. 2021. PubMed ID: 33724713). This variant is reported in 0.085% of alleles in individuals of East Asian descent in gnomAD. Although we suspect that this variant may be benign, at this time, the clinical significance of this variant is uncertain due to the absence of conclusive functional and genetic evidence.

Labcorp Genetics (formerly Invitae), Labcorp
Classification: Uncertain significance. Last evaluated: 2025-10-08. Review status: criteria provided, single submitter. Criteria: Invitae Variant Classification Sherloc (09022015). Collection method: clinical testing. Allele origin: germline.
Comment: This sequence change replaces threonine, which is neutral and polar, with methionine, which is neutral and non-polar, at codon 891 of the MYO6 protein (p.Thr891Met). This variant is present in population databases (rs146682372, gnomAD 0.08%). This missense change has been observed in individual(s) with deafness (PMID: 33724713). ClinVar contains an entry for this variant (Variation ID: 357997). Invitae Evidence Modeling of protein sequence and biophysical properties (such as structural, functional, and spatial information, amino acid conservation, physicochemical variation, residue mobility, and thermodynamic stability) indicates that this missense variant is not expected to disrupt MYO6 protein function with a negative predictive value of 80%. In summary, the available evidence is currently insufficient to determine the role of this variant in disease. Therefore, it has been classified as a Variant of Uncertain Significance.

Blueprint Genetics
Classification: Uncertain significance. Last evaluated: 2024-06-24. Review status: criteria provided, single submitter. Criteria: ACMG Guidelines, 2015. Collection method: clinical testing. Allele origin: germline.

Illumina Laboratory Services, Illumina
Classification: Likely benign for Autosomal dominant nonsyndromic hearing loss 22. Last evaluated: 2018-01-12. Review status: criteria provided, single submitter. Criteria: ICSL Variant Classification Criteria 13 December 2019. Collection method: clinical testing. Allele origin: germline.
Comment: This variant was observed in the ICSL laboratory as part of a predisposition screen in an ostensibly healthy population. It had not been previously curated by ICSL or reported in the Human Gene Mutation Database (HGMD: prior to June 1st, 2018), and was therefore a candidate for classification through an automated scoring system. Utilizing variant allele frequency, disease prevalence and penetrance estimates, and inheritance mode, an automated score was calculated to assess if this variant is too frequent to cause the disease. Based on the score and internal cut-off values, a variant classified as likely benign is not then subjected to further curation. The score for this variant resulted in a classification of likely benign for this disease.

Illumina Laboratory Services, Illumina
Classification: Uncertain significance for Autosomal recessive nonsyndromic hearing loss 37. Last evaluated: 2018-01-12. Review status: criteria provided, single submitter. Criteria: ICSL Variant Classification Criteria 13 December 2019. Collection method: clinical testing. Allele origin: germline.

Literature cited by the submitters: PubMed 33724713 (cited by Labcorp Genetics (formerly Invitae), Labcorp).